The following is an entry in ClinVar:

NM_000051.4(ATM):c.1378A>C (p.Thr460Pro)

Gene: ATM (ATM serine/threonine kinase; plus strand). Cytogenetic location: 11q22.3.
Variant type: single nucleotide variant.
Coding change: c.1378A>C on transcript NM_000051.4 (MANE Select); coding-DNA position 1378, A replaced by C.
Protein change: p.Thr460Pro; replaces threonine 460 with proline.
Molecular consequence: missense variant.
Genome position (GRCh38, 1-based): chr11:108,250,843, A>C. VCF-style: chr11-108250843-A-C. GRCh37 (hg19) VCF-style: chr11-108121570-A-C.
Other names: c.1378A>C, p.Thr460Pro (NM_001351834.2); short protein forms T460P.
Identifiers: ClinVar variation 142803 (VCV000142803.25), dbSNP rs587782729, ClinGen allele CA169445.

ClinVar aggregate classification (germline): Conflicting classifications of pathogenicity. Review status: criteria provided, conflicting classifications (1 of 4 stars). 4 submissions from 4 submitters: Likely pathogenic (1); Uncertain significance (3). Last evaluated 2026-04-27.

Conditions:
Hereditary cancer-predisposing syndrome. Also called: Neoplastic Syndromes, Hereditary; Tumor predisposition; Hereditary neoplastic syndrome; Hereditary Cancer Syndrome. Identifiers: Orphanet 140162, MedGen C0027672, MeSH D009386, MONDO:0015356.
Ataxia-telangiectasia syndrome (AT). Also called: Ataxia telangiectasia (A-T); LOUIS-BAR SYNDROME; Cerebello-oculocutaneous telangiectasia; Immunodeficiency with ataxia telangiectasia; Ataxia-telangiectasia, complementation group E; Ataxia-telangiectasia, complementation group D. Identifiers: Orphanet 100, MedGen C0004135, MONDO:0008840, OMIM 208900.

Allele frequency attached by ClinVar (database versions not stated): gnomAD exomes below 0.00001.
gnomAD v4.1: 2 of 1,614,188 alleles (0.00012%); highest among the groups gnomAD compares: Non-Finnish European, 0.00017%; no homozygotes.

Submissions (4):

Ambry Genetics
Classification: Uncertain significance for Hereditary cancer-predisposing syndrome. Last evaluated: 2026-04-27. Review status: criteria provided, single submitter. Criteria: Ambry Variant Classification Scheme 2023. Collection method: clinical testing. Allele origin: germline.
Comment: The p.T460P variant (also known as c.1378A>C), located in coding exon 9 of the ATM gene, results from an A to C substitution at nucleotide position 1378. The threonine at codon 460 is replaced by proline, an amino acid with highly similar properties. This alteration has been reported in conjunction with another pathogenic ATM mutation in an individual with features of ataxia telangiectasia (AT) (correspondence with external clinical laboratory). This amino acid position is poorly conserved in available vertebrate species. In addition, this alteration is predicted to be tolerated by in silico analysis. Based on the available evidence, the clinical significance of this variant remains unclear.

Labcorp Genetics (formerly Invitae), Labcorp
Classification: Uncertain significance for Ataxia-telangiectasia syndrome. Last evaluated: 2025-10-29. Review status: criteria provided, single submitter. Criteria: Invitae Variant Classification Sherloc (09022015). Collection method: clinical testing. Allele origin: germline.
Comment: This sequence change replaces threonine, which is neutral and polar, with proline, which is neutral and non-polar, at codon 460 of the ATM protein (p.Thr460Pro). This variant is not present in population databases (gnomAD no frequency). This variant has not been reported in the literature in individuals affected with ATM-related conditions. ClinVar contains an entry for this variant (Variation ID: 142803). Invitae Evidence Modeling of protein sequence and biophysical properties (such as structural, functional, and spatial information, amino acid conservation, physicochemical variation, residue mobility, and thermodynamic stability) indicates that this missense variant is not expected to disrupt ATM protein function with a negative predictive value of 95%. In summary, the available evidence is currently insufficient to determine the role of this variant in disease. Therefore, it has been classified as a Variant of Uncertain Significance.

GeneDx
Classification: Likely pathogenic. Last evaluated: 2025-10-22. Review status: criteria provided, single submitter. Criteria: GeneDx Variant Classification Process June 2021. Collection method: clinical testing. Allele origin: germline. Affected: yes.
Comment: Has not been previously published as pathogenic or benign to our knowledge; In silico analysis suggests that this missense variant does not alter protein structure/function; Not observed at significant frequency in large population cohorts (gnomAD)

Color Diagnostics, LLC DBA Color Health
Classification: Uncertain significance for Hereditary cancer-predisposing syndrome. Last evaluated: 2020-10-26. Review status: criteria provided, single submitter. Criteria: ACMG Guidelines, 2015. Collection method: clinical testing. Allele origin: germline.
Comment: This missense variant replaces threonine with proline at codon 460 of the ATM protein. Computational prediction suggests that this variant may not impact protein structure and function (internally defined REVEL score threshold <= 0.5, PMID: 27666373). To our knowledge, functional studies have not been reported for this variant. This variant has not been reported in individuals affected with hereditary cancer in the literature. This variant has not been identified in the general population by the Genome Aggregation Database (gnomAD). The available evidence is insufficient to determine the role of this variant in disease conclusively. Therefore, this variant is classified as a Variant of Uncertain Significance.